The following is an entry in ClinVar:

ClinVar aggregate classification (germline): Benign (1 of 4 stars; one submission).

Conditions:
Holoprosencephaly 11 (HPE11). Identifiers: Orphanet 2162, MedGen C3280215, MONDO:0013642, OMIM 614226.

Allele frequency attached by ClinVar (database versions not stated): gnomAD 0.00059 and 0.00066; 1000 Genomes Project 30x 0.00094; TOPMed 0.00047; 1000 Genomes Project 0.00080.

Submission:

Illumina Laboratory Services, Illumina
Classification: Benign for Holoprosencephaly 11. Last evaluated: 2018-01-12. Review status: criteria provided, single submitter. Criteria: ICSL Variant Classification Criteria 13 December 2019. Collection method: clinical testing. Allele origin: germline.
Comment: This variant was observed in the ICSL laboratory as part of a predisposition screen in an ostensibly healthy population. It had not been previously curated by ICSL or reported in the Human Gene Mutation Database (HGMD: prior to June 1st, 2018), and was therefore a candidate for classification through an automated scoring system. Utilizing variant allele frequency, disease prevalence and penetrance estimates, and inheritance mode, an automated score was calculated to assess if this variant is too frequent to cause the disease. Based on the score and internal cut-off values, a variant classified as benign is not then subjected to further curation. The score for this variant resulted in a classification of benign for this disease.

NM_001378964.1(CDON):c.*2024C>T

Gene: CDON (cell adhesion associated, oncogene regulated; minus strand). Cytogenetic location: 11q24.2.
Variant type: single nucleotide variant.
Coding change: c.*2024C>T on transcript NM_001378964.1 (MANE Select); 2024 bases downstream of the stop codon, C replaced by T.
Molecular consequence: 3 prime UTR variant.
Genome position (GRCh38, 1-based): chr11:125,958,918, G>A on the plus strand (C>T on the coding strand, the complement: CDON is on the minus strand). VCF-style: chr11-125958918-G-A. GRCh37 (hg19) VCF-style: chr11-125828813-G-A.
Other names: c.*2024C>T (NM_001243597.3, NM_016952.6).
Identifiers: ClinVar variation 878679 (VCV000878679.4), dbSNP rs148239384, ClinGen allele CA230550648.
Genomic context (GRCh38, chr11:125,958,918, plus strand): 5'-CCCAGTTTTCTAAAACTCCCTTTGTGACAGCATTGCTGTAACTTGATTGGCTAACACAGG[G>A]TATGTTTTCATATTCTGTGCGCTGGGACTTTGTCCTTTGCTAGTCACAGAAGTAAGGGAT-3'